The following is an entry in ClinVar:

ClinVar aggregate classification (germline): Uncertain significance (1 of 4 stars; one submission).

Submission:

Labcorp Genetics (formerly Invitae), Labcorp
Classification: Uncertain significance. Last evaluated: 2026-01-19. Review status: criteria provided, single submitter. Criteria: Invitae Variant Classification Sherloc (09022015). Collection method: clinical testing. Allele origin: germline.
Comment: This sequence change replaces alanine, which is neutral and non-polar, with valine, which is neutral and non-polar, at codon 15 of the TRIM28 protein (p.Ala15Val). The frequency data for this variant in the population databases is considered unreliable, as metrics indicate insufficient coverage at this position in the gnomAD database. This variant has not been reported in the literature in individuals affected with TRIM28-related conditions. Experimental studies and prediction algorithms are not available or were not evaluated, and the functional significance of this variant is currently unknown. In summary, the available evidence is currently insufficient to determine the role of this variant in disease. Therefore, it has been classified as a Variant of Uncertain Significance.

NM_005762.3(TRIM28):c.44C>T (p.Ala15Val)

Genes: TRIM28 (tripartite motif containing 28; plus strand), LOC130065239 (ATAC-STARR-seq lymphoblastoid silent region 11093; plus strand). Cytogenetic location: 19q13.43.
Variant type: single nucleotide variant.
Coding change: c.44C>T on transcript NM_005762.3 (MANE Select); coding-DNA position 44, C replaced by T.
Protein change: p.Ala15Val; replaces alanine 15 with valine.
Molecular consequence: missense variant.
Genome position (GRCh38, 1-based): chr19:58,544,801, C>T. VCF-style: chr19-58544801-C-T. GRCh37 (hg19) VCF-style: chr19-59056168-C-T.
Other names: short protein forms A15V.
Identifiers: ClinVar variation 4798579 (VCV004798579.1).